The following is an entry in ClinVar:

NM_001005242.3(PKP2):c.1852G>A (p.Val618Met)

Gene: PKP2 (plakophilin 2; minus strand). Cytogenetic location: 12p11.21.
Variant type: single nucleotide variant.
Coding change: c.1852G>A on transcript NM_001005242.3 (MANE Select); coding-DNA position 1852, G replaced by A.
Protein change: p.Val618Met; replaces valine 618 with methionine.
Molecular consequence: missense variant.
Genome position (GRCh38, 1-based): chr12:32,821,517, C>T on the plus strand (G>A on the coding strand, the complement: PKP2 is on the minus strand). VCF-style: chr12-32821517-C-T. GRCh37 (hg19) VCF-style: chr12-32974451-C-T.
Other names: c.1984G>A, p.Val662Met (NM_004572.4); short protein forms V618M, V662M.
Identifiers: ClinVar variation 856392 (VCV000856392.13), dbSNP rs770909247, ClinGen allele CA032051.

ClinVar aggregate classification (germline): Conflicting classifications of pathogenicity. Review status: criteria provided, conflicting classifications (1 of 4 stars). 4 submissions from 4 submitters: Uncertain significance (2); Likely benign (2). Last evaluated 2025-03-10.

Conditions:
Cardiovascular phenotype. Identifiers: MedGen CN230736.
Cardiomyopathy (CMYO). Also called: Cardiomyopathies. Identifiers: Orphanet 167848, MedGen C0878544, MONDO:0004994, HP:0001638. Inheritance: Various modes of inheritance.
Arrhythmogenic right ventricular dysplasia 9 (ARVD9). Also called: Arrhythmogenic Right Ventricular Dysplasia/Cardiomyopathy 9; ARRHYTHMOGENIC RIGHT VENTRICULAR DYSPLASIA, FAMILIAL, 9. Identifiers: MedGen C1836906, MONDO:0012180, OMIM 609040.

Allele frequency attached by ClinVar (database versions not stated): gnomAD 0.00001 and below 0.00001; gnomAD exomes 0.00001 and 0.00002; ExAC 0.00002.
gnomAD v4.1: 35 of 1,613,912 alleles (0.0022%); highest among the groups gnomAD compares: South Asian, 0.0033%; no homozygotes.

Submissions (4):

GeneDx
Classification: Uncertain significance. Last evaluated: 2025-03-10. Review status: criteria provided, single submitter. Criteria: GeneDx Variant Classification Process June 2021. Collection method: clinical testing. Allele origin: germline.
Comment: Has not been previously published as pathogenic or benign to our knowledge; Not observed at significant frequency in large population cohorts (gnomAD); In silico analysis indicates that this missense variant does not alter protein structure/function

Color Diagnostics, LLC DBA Color Health
Classification: Likely benign for Cardiomyopathy. Last evaluated: 2024-09-04. Review status: criteria provided, single submitter. Criteria: ACMG Guidelines, 2015. Collection method: clinical testing. Allele origin: germline.

Labcorp Genetics (formerly Invitae), Labcorp
Classification: Uncertain significance for Arrhythmogenic right ventricular dysplasia 9. Last evaluated: 2024-02-10. Review status: criteria provided, single submitter. Criteria: Invitae Variant Classification Sherloc (09022015). Collection method: clinical testing. Allele origin: germline.
Comment: This sequence change replaces valine, which is neutral and non-polar, with methionine, which is neutral and non-polar, at codon 662 of the PKP2 protein (p.Val662Met). This variant is present in population databases (rs770909247, gnomAD 0.01%). This variant has not been reported in the literature in individuals affected with PKP2-related conditions. ClinVar contains an entry for this variant (Variation ID: 856392). Algorithms developed to predict the effect of missense changes on protein structure and function output the following: SIFT: "Not Available"; PolyPhen-2: "Benign"; Align-GVGD: "Not Available". The methionine amino acid residue is found in multiple mammalian species, which suggests that this missense change does not adversely affect protein function. In summary, the available evidence is currently insufficient to determine the role of this variant in disease. Therefore, it has been classified as a Variant of Uncertain Significance.

Ambry Genetics
Classification: Likely benign for Cardiovascular phenotype. Last evaluated: 2019-01-02. Review status: criteria provided, single submitter. Criteria: Ambry Variant Classification Scheme 2023. Collection method: clinical testing. Allele origin: germline.